The following is an entry in ClinVar:

NM_001110556.2(FLNA):c.7541C>T (p.Ala2514Val)

Gene: FLNA (filamin A; minus strand). Cytogenetic location: Xq28.
Variant type: single nucleotide variant.
Coding change: c.7541C>T on transcript NM_001110556.2 (MANE Select); coding-DNA position 7541, C replaced by T.
Protein change: p.Ala2514Val; replaces alanine 2514 with valine.
Molecular consequence: missense variant.
Genome position (GRCh38, 1-based): chrX:154,349,660, G>A on the plus strand (C>T on the coding strand, the complement: FLNA is on the minus strand). VCF-style: chrX-154349660-G-A. GRCh37 (hg19) VCF-style: chrX-153578028-G-A.
Other names: c.7517C>T, p.Ala2506Val (NM_001456.4); short protein forms A2506V, A2514V.
Identifiers: ClinVar variation 4057119 (VCV004057119.2).

ClinVar aggregate classification (germline): Uncertain significance (1 of 4 stars; one submission).

Submission:

GeneDx
Classification: Uncertain significance. Last evaluated: 2025-12-05. Review status: criteria provided, single submitter. Criteria: GeneDx Variant Classification Process June 2021. Collection method: clinical testing. Allele origin: germline.
Comment: In silico analysis supports that this missense variant has a deleterious effect on protein structure/function; Has not been previously published as pathogenic or benign to our knowledge